The following is an entry in ClinVar:

ClinVar aggregate classification (germline): Uncertain significance (1 of 4 stars; one submission).

Submission:

GeneDx
Classification: Uncertain significance. Last evaluated: 2020-01-31. Review status: criteria provided, single submitter. Criteria: GeneDx Variant Classification Process June 2021. Collection method: clinical testing. Allele origin: germline. Affected: yes.
Comment: Not observed in large population cohorts (Lek et al., 2016); In silico analysis supports that this missense variant has a deleterious effect on protein structure/function; Has not been previously published as pathogenic or benign to our knowledge

NM_001321075.3(DLG4):c.920T>A (p.Ile307Asn)

Genes: DLG4 (discs large MAGUK scaffold protein 4; minus strand), LOC126862479 (MED14-independent group 3 enhancer GRCh37_chr17:7099412-7100611; plus strand). Cytogenetic location: 17p13.1.
Variant type: single nucleotide variant.
Coding change: c.920T>A on transcript NM_001321075.3 (MANE Select); coding-DNA position 920, T replaced by A.
Protein change: p.Ile307Asn; replaces isoleucine 307 with asparagine.
Molecular consequence: missense variant. On other transcripts: non-coding transcript variant (1).
Genome position (GRCh38, 1-based): chr17:7,196,920, A>T on the plus strand (T>A on the coding strand, the complement: DLG4 is on the minus strand). VCF-style: chr17-7196920-A-T. GRCh37 (hg19) VCF-style: chr17-7100239-A-T.
Other names: c.911T>A, p.Ile304Asn (NM_001128827.4); c.1040T>A, p.Ile347Asn (NM_001321074.1); c.740T>A, p.Ile247Asn (NM_001321076.3, NM_001321077.3); c.1049T>A, p.Ile350Asn (NM_001365.5); c.839T>A, p.Ile280Asn (NM_001369566.3); short protein forms I247N, I280N, I304N, I307N, I347N, I350N.
Identifiers: ClinVar variation 1315077 (VCV001315077.2), dbSNP rs2069820358, ClinGen allele CA397716858.
Genomic context (GRCh38, chr17:7,196,920, plus strand): 5'-ATGTTGAAGCCCAGGCCCGTGGAGCCCCGGTGGATCACAATTCGCCTCGGTTCTCGGGGA[A>T]TGTCTTCCTCCCCGAGCAGGTCCTTGGCCACTGGAGAGTAGCGCCGAGGGGAAGTGGGGG-3'
Protein context (NP_001308004.1, residues 297-317): VAKDLLGEED[Ile307Asn]PREPRRIVIH